The following is an entry in ClinVar:

NM_020778.5(ALPK3):c.1131del (p.Pro378fs)

Gene: ALPK3 (alpha kinase 3; plus strand). Cytogenetic location: 15q25.3.
Variant type: Deletion.
Coding change: c.1131del on transcript NM_020778.5 (MANE Select); coding-DNA position 1131, one base deleted (G; older notation c.1131delG).
Protein change: p.Pro378fs; shifts the reading frame from proline 378.
Molecular consequence: frameshift variant.
Genome position (GRCh38, 1-based): chr15:84,840,410, G deleted; the last of 5 consecutive G bases (chr15:84,840,406-84,840,410); deleting any one gives the same sequence. VCF-style (leftmost placement, unchanged base first): chr15-84840405-CG-C. GRCh37 (hg19) VCF-style: chr15-85383636-CG-C.
Other names: short protein forms P378fs.
Identifiers: ClinVar variation 2105128 (VCV002105128.4), dbSNP rs2505706045, ClinGen allele CA2580090123.

ClinVar aggregate classification (germline): Pathogenic (1 of 4 stars; one submission).

Submission:

Labcorp Genetics (formerly Invitae), Labcorp
Classification: Pathogenic. Last evaluated: 2022-03-01. Review status: criteria provided, single submitter. Criteria: Invitae Variant Classification Sherloc (09022015). Collection method: clinical testing. Allele origin: germline.
Comment: This sequence change creates a premature translational stop signal (p.Pro580Leufs*38) in the ALPK3 gene. It is expected to result in an absent or disrupted protein product. Loss-of-function variants in ALPK3 are known to be pathogenic (PMID: 21441111, 26846950, 27106955, 34263907). This variant is not present in population databases (gnomAD no frequency). For these reasons, this variant has been classified as Pathogenic. This variant has not been reported in the literature in individuals affected with ALPK3-related conditions.

Literature cited by the submitters: PubMed 21441111; PubMed 26846950; PubMed 27106955; PubMed 34263907.